The following is an entry in ClinVar:

NM_000290.4(PGAM2):c.247C>T (p.Arg83Cys)

Genes: DBNL (drebrin like; plus strand), PGAM2 (phosphoglycerate mutase 2; minus strand), LOC129998343 (ATAC-STARR-seq lymphoblastoid active region 25926; plus strand). Cytogenetic location: 7p13.
Variant type: single nucleotide variant.
Coding change: c.247C>T on transcript NM_000290.4 (MANE Select); coding-DNA position 247, C replaced by T.
Protein change: p.Arg83Cys; replaces arginine 83 with cysteine.
Molecular consequence: missense variant. On other transcripts: 3 prime UTR variant (6).
Genome position (GRCh38, 1-based): chr7:44,065,283, G>A on the plus strand (C>T on the coding strand, the complement: PGAM2 is on the minus strand). VCF-style: chr7-44065283-G-A. GRCh37 (hg19) VCF-style: chr7-44104882-G-A.
Other names: c.*4367G>A (NM_001014436.3, NM_001122956.2, NM_001284313.2 and 3 more transcripts); short protein forms R83C.
Identifiers: ClinVar variation 1936304 (VCV001936304.3), dbSNP rs748139888, ClinGen allele CA4236643.

ClinVar aggregate classification (germline): Uncertain significance (1 of 4 stars; one submission).

Conditions:
Glycogen storage disease type X (GSD10). Also called: Dimauro disease; GSD X; MYOPATHY DUE TO PHOSPHOGLYCERATE MUTASE DEFICIENCY; PGAMM DEFICIENCY; PHOSPHOGLYCERATE MUTASE, MUSCLE, DEFICIENCY OF; Glycogen storage disease due to phosphoglycerate mutase deficiency. Identifiers: Orphanet 97234, MedGen C0268149, MONDO:0009865, OMIM 261670.

Allele frequency attached by ClinVar (database versions not stated): ExAC 0.00001.
gnomAD v4.1: 4 of 1,613,544 alleles (0.00025%); highest among the groups gnomAD compares: Non-Finnish European, 0.00034%; no homozygotes.

Submission:

Labcorp Genetics (formerly Invitae), Labcorp
Classification: Uncertain significance for Glycogen storage disease type X. Last evaluated: 2022-05-09. Review status: criteria provided, single submitter. Criteria: Invitae Variant Classification Sherloc (09022015). Collection method: clinical testing. Allele origin: germline.
Comment: This sequence change replaces arginine, which is basic and polar, with cysteine, which is neutral and slightly polar, at codon 83 of the PGAM2 protein (p.Arg83Cys). This variant is present in population databases (rs748139888, gnomAD 0.0009%). This variant has not been reported in the literature in individuals affected with PGAM2-related conditions. Algorithms developed to predict the effect of missense changes on protein structure and function (SIFT, PolyPhen-2, Align-GVGD) all suggest that this variant is likely to be disruptive. In summary, the available evidence is currently insufficient to determine the role of this variant in disease. Therefore, it has been classified as a Variant of Uncertain Significance.